The following is an entry in ClinVar:

ClinVar aggregate classification (germline): Benign/Likely benign. Review status: criteria provided, multiple submitters, no conflicts (2 of 4 stars). 3 submissions from 3 submitters: Benign (1); Likely benign (2). Last evaluated 2025-06-12.

Conditions:
Brain small vessel disease 2A, autosomal dominant. Also called: Porencephaly 2. Identifiers: Orphanet 2940, Orphanet 99810, MedGen C3280970, MONDO:0013773, OMIM 614483.

Allele frequency attached by ClinVar (database versions not stated): gnomAD 0.00002 and 0.00003; TOPMed 0.00002; gnomAD exomes 0.00005 and 0.00007; ExAC 0.00007.
gnomAD v4.1: 73 of 1,613,808 alleles (0.0045%); highest among the groups gnomAD compares: Middle Eastern, 0.033%; 1 homozygote.

Submissions (3):

Labcorp Genetics (formerly Invitae), Labcorp
Classification: Likely benign. Last evaluated: 2025-06-12. Review status: criteria provided, single submitter. Criteria: Invitae Variant Classification Sherloc (09022015). Collection method: clinical testing. Allele origin: germline.

CeGaT Center for Human Genetics Tuebingen
Classification: Likely benign. Last evaluated: 2025-01-01. Review status: criteria provided, single submitter. Criteria: CeGaT Center For Human Genetics Tuebingen Variant Classification Criteria Version 2. Collection method: clinical testing. Allele origin: germline. Affected: yes. Observed: 1 variant allele.
Comment: COL4A2: BS2

Illumina Laboratory Services, Illumina
Classification: Benign for Brain small vessel disease 2A, autosomal dominant. Last evaluated: 2018-01-13. Review status: criteria provided, single submitter. Criteria: ICSL Variant Classification Criteria 13 December 2019. Collection method: clinical testing. Allele origin: germline.
Comment: This variant was observed in the ICSL laboratory as part of a predisposition screen in an ostensibly healthy population. It had not been previously curated by ICSL or reported in the Human Gene Mutation Database (HGMD: prior to June 1st, 2018), and was therefore a candidate for classification through an automated scoring system. Utilizing variant allele frequency, disease prevalence and penetrance estimates, and inheritance mode, an automated score was calculated to assess if this variant is too frequent to cause the disease. Based on the score and internal cut-off values, a variant classified as benign is not then subjected to further curation. The score for this variant resulted in a classification of benign for this disease.

NM_001846.4(COL4A2):c.257G>A (p.Arg86His)

Gene: COL4A2 (collagen type IV alpha 2 chain; plus strand). Cytogenetic location: 13q34.
Variant type: single nucleotide variant.
Coding change: c.257G>A on transcript NM_001846.4 (MANE Select); coding-DNA position 257, G replaced by A.
Protein change: p.Arg86His; replaces arginine 86 with histidine.
Molecular consequence: missense variant.
Genome position (GRCh38, 1-based): chr13:110,424,810, G>A. VCF-style: chr13-110424810-G-A. GRCh37 (hg19) VCF-style: chr13-111077157-G-A.
Other names: short protein forms R86H.
Identifiers: ClinVar variation 882687 (VCV000882687.20), dbSNP rs751272301, ClinGen allele CA7048818.
Genomic context (GRCh38, chr13:110,424,810, plus strand): 5'-TGGGCCCCCAGGGGTACAATGGGCCACCAGGATTACAAGGATTCCCGGGACTGCAGGGAC[G>A]TAAAGGAGACAAGGGTGAAAGGGGAGCCCCCGGAGTAACGGGACCCAAGGGCGACGTGGT-3'
Protein context (NP_001837.2, residues 76-96): GLQGFPGLQG[Arg86His]KGDKGERGAP